The following is an entry in ClinVar:

ClinVar aggregate classification (germline): Uncertain significance (1 of 4 stars; one submission).

Conditions:
Cardiovascular phenotype. Identifiers: MedGen CN230736.

Submission:

Ambry Genetics
Classification: Uncertain significance for Cardiovascular phenotype. Last evaluated: 2022-04-03. Review status: criteria provided, single submitter. Criteria: Ambry Variant Classification Scheme 2023. Collection method: clinical testing. Allele origin: germline.
Comment: The p.V431L variant (also known as c.1291G>T) is located in coding exon 10 of the SCN10A gene. The valine at codon 431 is replaced by leucine, an amino acid with highly similar properties. This change occurs in the first base pair of coding exon 10. This amino acid position is conserved. In addition, the in silico prediction for this alteration is inconclusive. Since supporting evidence is limited at this time, the clinical significance of this alteration remains unclear.

NM_006514.4(SCN10A):c.1291G>T (p.Val431Leu)

Gene: SCN10A (sodium voltage-gated channel alpha subunit 10; minus strand). Cytogenetic location: 3p22.2.
Variant type: single nucleotide variant.
Coding change: c.1291G>T on transcript NM_006514.4 (MANE Select); coding-DNA position 1291, G replaced by T.
Protein change: p.Val431Leu; replaces valine 431 with leucine.
Molecular consequence: missense variant.
Genome position (GRCh38, 1-based): chr3:38,755,958, C>A on the plus strand (G>T on the coding strand, the complement: SCN10A is on the minus strand). VCF-style: chr3-38755958-C-A. GRCh37 (hg19) VCF-style: chr3-38797449-C-A.
Other names: c.1291G>T, p.Val431Leu (NM_001293306.2, NM_001293307.2); short protein forms V431L.
Identifiers: ClinVar variation 1769120 (VCV001769120.2), dbSNP rs2063799796, ClinGen allele CA352169106.